The following is an entry in ClinVar:

ClinVar aggregate classification (germline): Pathogenic (1 of 4 stars; one submission).

Conditions:
Primary ciliary dyskinesia. Also called: Ciliary dyskinesia. Identifiers: Orphanet 244, MedGen C0008780, MONDO:0016575, HP:0012265.

Allele frequency attached by ClinVar (database versions not stated): gnomAD exomes below 0.00001; ExAC 0.00001; TOPMed 0.00001.

Submission:

Labcorp Genetics (formerly Invitae), Labcorp
Classification: Pathogenic for Primary ciliary dyskinesia. Last evaluated: 2023-08-04. Review status: criteria provided, single submitter. Criteria: Invitae Variant Classification Sherloc (09022015). Collection method: clinical testing. Allele origin: germline.
Comment: This variant is present in population databases (rs780453315, gnomAD 0.001%). This variant has not been reported in the literature in individuals affected with DNAAF2-related conditions. ClinVar contains an entry for this variant (Variation ID: 2176205). For these reasons, this variant has been classified as Pathogenic. This sequence change creates a premature translational stop signal (p.Leu318Argfs*123) in the DNAAF2 gene. It is expected to result in an absent or disrupted protein product. Loss-of-function variants in DNAAF2 are known to be pathogenic (PMID: 19052621, 24498942).

Literature cited by the submitters: PubMed 19052621; PubMed 24498942.

NM_018139.3(DNAAF2):c.953del (p.Leu318fs)

Gene: DNAAF2 (dynein axonemal assembly factor 2; minus strand). Cytogenetic location: 14q21.3.
Variant type: Deletion.
Coding change: c.953del on transcript NM_018139.3 (MANE Select); coding-DNA position 953, one base deleted (T; older notation c.953delT).
Protein change: p.Leu318fs; shifts the reading frame from leucine 318.
Molecular consequence: frameshift variant.
Genome position (GRCh38, 1-based): chr14:49,634,197, A deleted on the plus strand (T on the coding strand, the reverse complement: DNAAF2 is on the minus strand). VCF-style (leftmost placement, unchanged base first): chr14-49634196-CA-C. GRCh37 (hg19) VCF-style: chr14-50100914-CA-C.
Other names: c.953del, p.Leu318fs (NM_001083908.2); short protein forms L318fs.
Identifiers: ClinVar variation 2176205 (VCV002176205.4), dbSNP rs780453315, ClinGen allele CA7172988.